The following continues an entry in ClinVar:

NM_000159.4(GCDH):c.1204C>T (p.Arg402Trp)

Gene: GCDH. ClinVar aggregate classification (germline): Pathogenic/Likely pathogenic. Pathogenic (26); Likely pathogenic (2).

Submissions 14 to 30 of 30:

GeneDx
Classification: Pathogenic. Last evaluated: 2020-07-08. Review status: criteria provided, single submitter. Criteria: GeneDx Variant Classification Process June 2021. Collection method: clinical testing. Allele origin: germline. Affected: yes.
Comment: Functional studies in E.coli and BHK cells transfected with R402W mutant plamids demonstrated reduced GCDH enzyme expression as compared to wild type, and upon cross-linkage, the formation of homotetrameric GCDH was strongly impaired in the R402W mutants (Biery et al., 1996; Keyser et al., 2008); In silico analysis, which includes protein predictors and evolutionary conservation, supports a deleterious effect; This variant is associated with the following publications: (PMID: 9711871, 32056211, 10699052, 25087612, 8900227, 18775954, 10960496, 24973495, 25762492, 28438223, 28352331, 29292490, 30217722, 30570710, 31062211, 25256449, 10649503, 20732827, 31589614, 32777384, 32240488)

Institute of Human Genetics, University of Leipzig Medical Center
Classification: Pathogenic for Glutaric aciduria, type 1. Last evaluated: 2020-06-01. Review status: criteria provided, single submitter. Criteria: ACMG Guidelines, 2015. Collection method: clinical testing. Allele origin: germline. Inheritance: Autosomal recessive inheritance. Affected: yes.
Comment: PS3, PS4_Supporting, PM2, PM3_Strong, PP4

Myriad Genetics, Inc.
Classification: Likely pathogenic for Glutaric aciduria, type 1. Last evaluated: 2019-12-04. Review status: criteria provided, single submitter. Criteria: Myriad Women's Health Autosomal Recessive and X-Linked Classification Criteria (2019). Collection method: clinical testing. Allele origin: unknown.
Comment: NM_000159.2(GCDH):c.1204C>T(R402W) is classified as likely pathogenic in the context of GCDH-related glutaric acidemia. Sources cited for classification include the following: PMID 8900227, 10699052, 24973495 and 18775954. Classification of NM_000159.2(GCDH):c.1204C>T(R402W) is based on the following criteria: This variant has been observed more frequently in patients with clinical diagnoses than in healthy populations and there is functional data showing deficient protein function. Please note: this variant was assessed in the context of healthy population screening.

Kasturba Medical College, Manipal, Kasturba Medical College, Manipal, Manipal Academy of Higher Education, Manipal, India
Classification: Pathogenic for Glutaric aciduria, type 1. Last evaluated: 2019-11-28. Review status: criteria provided, single submitter. Criteria: ACMG Guidelines, 2015. Collection method: clinical testing. Allele origin: inherited. Inheritance: Autosomal recessive inheritance. Affected: yes. Observed: 2 variant alleles.

Genomic Research Center, Shahid Beheshti University of Medical Sciences
Classification: Likely pathogenic for Glutaric aciduria, type 1. Last evaluated: 2019-01-01. Review status: criteria provided, single submitter. Criteria: ACMG Guidelines, 2015. Collection method: clinical testing. Allele origin: unknown. Affected: yes. Observed: 1 variant allele.

Fulgent Genetics
Classification: Pathogenic for Glutaric aciduria, type 1. Last evaluated: 2018-10-31. Review status: criteria provided, single submitter. Criteria: ACMG Guidelines, 2015. Collection method: clinical testing. Allele origin: unknown.

Genetic Services Laboratory, University of Chicago
Classification: Pathogenic. Last evaluated: 2018-02-15. Review status: criteria provided, single submitter. Criteria: ACMG Guidelines, 2015. Collection method: clinical testing. Allele origin: germline. Affected: yes.

CENTOGENE GmbH and LLC - Guiding Precision Medicine
Classification: Pathogenic for Glutaric aciduria, type 1. Last evaluated: 2018-02-02. Review status: criteria provided, single submitter. Criteria: ACMG Guidelines, 2015. Collection method: clinical testing. Allele origin: germline. Affected: yes.

Illumina Laboratory Services, Illumina
Classification: Pathogenic for Glutaric aciduria, type 1. Last evaluated: 2017-04-27. Review status: criteria provided, single submitter. Criteria: ICSL Variant Classification Criteria 09 May 2019. Collection method: clinical testing. Allele origin: germline.
Comment: The GCDH c.1204C>T (p.Arg402Trp) variant has been described in at least nine studies and is found in at least 63 individuals with glutaric acidemia, including 26 in a homozygous state, 18 in a compound heterozygous state, and nine in a heterozygous state (Biery et al. 1996; Schwartz et al. 1998; Busquets et al. 2000a; Busquets et al. 2000b; Busquets et al. 2000c; Zschocke et al. 2000; Fraidakis et al. 2014; Georgiou et al. 2014; Gupta et al. 2015). The variant is found in an additional 24 disease alleles of unknown zygosity (Biery et al. 1996; Zschocke et al. 2000). The p.Arg402Trp variant has been described as the most common variant in different populations being present in 10-20% of alleles in affected individuals (Zschocke et al. 2000; Fraidakis et al. 2014). The p.Arg402Trp variant was absent from 100 unrelated Spanish controls and is reported at a frequency of 0.00076 in the European (Finnish) population of the Exome Aggregation Consortium. Expression of the p.Arg402Trp variant in E.coli and cultured fibroblasts showed reduced GCD activity compared to wild type, with 3% and <1% residual activity, respectively (Biery et al. 1996; Busquets et al. 2000b; Schwartz et al. 1998). Keyser et al. (2008) also demonstrated a reduced enzyme activity for the variant of 1.6% of wild type in mammalian cells and an increased degradation of the protein compared to wild type. The Arg402 residue is highly conserved. Based on the collective evidence, the p.Arg402Trp variant is classified as pathogenic for glutaric acidemia. This variant was observed by ICSL as part of a predisposition screen in an ostensibly healthy population.

Women's Health and Genetics/Laboratory Corporation of America, LabCorp
Classification: Pathogenic for Glutaric aciduria, type 1. Last evaluated: 2017-04-06. Review status: criteria provided, single submitter. Criteria: LabCorp Variant Classification Summary - May 2015. Collection method: clinical testing. Allele origin: germline.
Comment: Variant summary: The GCDH c.1204C>T (p.Arg402Trp) variant involves the alteration of a conserved nucleotide. 4/4 in silico tools predict a damaging outcome for this variant (SNPs&GO not captured due to low reliability index). This variant was found in 27/120918 control chromosomes at a frequency of 0.0002233, which does not exceed the estimated maximal expected allele frequency of a pathogenic GCDH variant (0.0035355). The variant was found in multiple affected individuals with an established diagnosis of GA-I based on the clinical symptoms, characteristic findings on neuroimaging and quantitative analysis of organic acids in urine. Busquets (2000) and Zschocke (2000) report the frequency of the variant of interest in affected individuals as 22% and 25%, respectively. Functional studies using expression systems show the variant to have a complete loss of GCDH activity (Biery_1996, Keyser_2008). In addition, multiple clinical diagnostic laboratories/reputable databases classified this variant as pathogenic. Taken together, this variant is classified as pathogenic.

Eurofins Ntd Llc (ga)
Classification: Pathogenic. Last evaluated: 2015-04-20. Review status: criteria provided, single submitter. Criteria: EGL Classification Definitions 2015. Collection method: clinical testing. Allele origin: germline. Observed: 8 variant alleles, 7 heterozygotes, 1 homozygote.

Clinical Genetics Service, Universitary Hospital 12 de Octubre
Classification: Pathogenic for Glutaric aciduria, type 1. Review status: criteria provided, single submitter. Criteria: ACMG Guidelines, 2015. Collection method: clinical testing. Allele origin: germline. Affected: yes.

Juno Genomics, Hangzhou Juno Genomics, Inc
Classification: Pathogenic for Glutaric aciduria, type 1. Review status: criteria provided, single submitter. Criteria: ACMG Guidelines, 2015. Collection method: clinical testing. Allele origin: germline.
Comment: Absent from controls (or at extremely low frequency if recessive) in Genome Aggregation Database.;Multiple lines of computational evidence support a deleterious effect on the gene or gene product.;For recessive disorders, detected in trans with a pathogenic variant.

Neuberg Centre For Genomic Medicine, NCGM
Classification: Pathogenic for Glutaric aciduria, type 1. Review status: criteria provided, single submitter. Criteria: ACMG Guidelines, 2015. Collection method: clinical testing. Allele origin: germline. Inheritance: Autosomal recessive inheritance. Affected: yes.
Comment: The observed missense variant c.1204C>T(p.Arg402Trp) in GCDH gene has been reported previously in homozygous, heterozygous and compound heterozygous state in individuals with Glutaric aciduria, type 1 (Sitta A et al., 2021; Tamhankar PM et al., 2021; Kurkina MV et al., 2020; Busquets C et al., 2000). Experimental studies have shown that this missense change affects GCDH function (Gonzalez Melo M et al., 2021; Keyser B et al., 2008; Biery BJ et al., 1996). . For these reasons, this variant has been classified as Pathogenic.

Suma Genomics
Classification: Pathogenic for Glutaric aciduria, type 1. Review status: criteria provided, single submitter. Criteria: ACMG Guidelines, 2015. Collection method: clinical testing. Allele origin: germline. Inheritance: Autosomal recessive inheritance. Affected: yes. Observed: 1 compound heterozygote.

OMIM
Classification: Pathogenic for GLUTARIC ACIDEMIA I. Last evaluated: 2000-03-01. Review status: no assertion criteria provided. Collection method: literature only. Allele origin: germline. Not counted in ClinVar's aggregate classification.

GeneReviews
No classification provided. Condition: Glutaric aciduria, type 1. Review status: no classification provided. Collection method: literature only. Allele origin: germline. Not counted in ClinVar's aggregate classification.
Comment: Most common pan ethnic pathogenic variant

Literature cited by the submitters: PubMed 8900227 (cited by 6 submitters); PubMed 18775954 (cited by 6 submitters); PubMed 33965309 (cited by Dasa); PubMed 10649503 (cited by 5 submitters); PubMed 25762492 (cited by 4 submitters); PubMed 25256449 (cited by Dasa and Illumina Laboratory Services, Illumina); PubMed 31062211 (cited by Dasa and Ambry Genetics); PubMed 11073722 (cited by 3 submitters); PubMed 20732827 (cited by Labcorp Genetics (formerly Invitae), Labcorp); PubMed 28352331 (cited by Labcorp Genetics (formerly Invitae), Labcorp); PubMed 28438223 (cited by Labcorp Genetics (formerly Invitae), Labcorp); PubMed 34504725 (cited by Natera, Inc.); PubMed 10960496 (cited by Natera, Inc. and Illumina Laboratory Services, Illumina); PubMed 28062662 (cited by Natera, Inc.); PubMed 30570710 (cited by Ambry Genetics); PubMed 10699052 (cited by 4 submitters); PubMed 24973495 (cited by Myriad Genetics, Inc. and Illumina Laboratory Services, Illumina); PubMed 9600243 (cited by Illumina Laboratory Services, Illumina and GeneReviews); PubMed 28794906 (cited by GeneReviews); PubMed 31536184 (cited by GeneReviews).